The following is an entry in ClinVar:

NM_006904.7(PRKDC):c.3940G>T (p.Gly1314Cys)

Gene: PRKDC (protein kinase, DNA-activated, catalytic subunit; minus strand). Cytogenetic location: 8q11.21.
Variant type: single nucleotide variant.
Coding change: c.3940G>T on transcript NM_006904.7 (MANE Select); coding-DNA position 3940, G replaced by T.
Protein change: p.Gly1314Cys; replaces glycine 1314 with cysteine.
Molecular consequence: missense variant.
Genome position (GRCh38, 1-based): chr8:47,890,388, C>A on the plus strand (G>T on the coding strand, the complement: PRKDC is on the minus strand). VCF-style: chr8-47890388-C-A. GRCh37 (hg19) VCF-style: chr8-48802949-C-A.
Other names: c.3940G>T, p.Gly1314Cys (NM_001081640.2); short protein forms G1314C.
Identifiers: ClinVar variation 1736357 (VCV001736357.4), dbSNP rs775364456, ClinGen allele CA371148790.

ClinVar aggregate classification (germline): Benign/Likely benign. Review status: criteria provided, multiple submitters, no conflicts (2 of 4 stars). 2 submissions from 2 submitters: Benign (1); Likely benign (1). Last evaluated 2025-10-02.

Conditions:
PRKDC-related disorder. Also called: PRKDC-related condition.

Submissions (2):

Ambry Genetics
Classification: Likely benign. Last evaluated: 2025-10-02. Review status: criteria provided, single submitter. Criteria: Ambry Variant Classification Scheme 2023. Collection method: clinical testing. Allele origin: germline.

PreventionGenetics, part of Exact Sciences
Classification: Benign for PRKDC-related condition. Last evaluated: 2019-07-10. Review status: criteria provided, single submitter. Criteria: ACMG Guidelines, 2015. Collection method: clinical testing. Allele origin: germline.
Comment: This variant is classified as benign based on ACMG/AMP sequence variant interpretation guidelines (Richards et al. 2015 PMID: 25741868, with internal and published modifications).